The following is an entry in ClinVar:

ClinVar aggregate classification (germline): Pathogenic (1 of 4 stars; one submission).

Submission:

Quest Diagnostics Nichols Institute San Juan Capistrano
Classification: Pathogenic. Last evaluated: 2025-04-26. Review status: criteria provided, single submitter. Criteria: ACMG/ClinGen CNV Guidelines, 2019. Collection method: clinical testing. Allele origin: unknown.
Comment: This 14q32.32q32.33 deletion involves at least 46 protein-coding genes. Terminal deletions involving 14q32.33 are relatively rare but associated with the emerging 14q32.3 terminal deletion syndrome (Darcy 2011, Engels 2012, Firth 2009, Holder 2012, Kececi 2024, Maurin 2006, Wu 2010, Zollino 2012). There are no similar copy number losses of this region in the general populations of the Database of Genomic Variants. Thus, this deletion is classified as pathogenic. References: Darcy et al., Case Rep Genet. 2011:2011:306072. PMID: 23074674 Engels et al., Am J Med Genet A. 2012 Apr;158A(4):695-706. PMID: 22367666 Firth et al., Am J Hum Genet. 2009 Apr;84(4):524-33. PMID: 19344873 Holder JL et al., Am J Med Genet A. 2012 Aug;158A(8):1962-6. PMID: 22488736 Kececi’ et al., Clin Dysmorphol. 2024 Apr 1;33(2):90-94. PMID: 38410976 Maurin et al., Am J Med Genet A. 2006 Nov 1;140(21):2324-9. PMID: 17022077 Wu et al., BMC Med Genet. 2010 May 11:11:72. PMID: 20459802 Zollino et al., Eur J Med Genet. 2012 May;55(5):374-80. PMID: 22564756

GRCh37/hg19 14q32.31-32.33(chr14:103153637-107285437)x1

Genes: EXOC3L4 (exocyst complex component 3 like 4; plus strand), GPR132 (G protein-coupled receptor 132; minus strand), IGH (immunoglobulin heavy locus; minus strand), IGHM (immunoglobulin heavy constant mu; minus strand), TNFAIP2 (TNF alpha induced protein 2; plus strand) and 53 more. Cytogenetic location: 14q32.31-32.33.
Variant type: copy number loss.
Change: copy number 1 (one copy instead of two) of chr14:103,153,637-107,285,437 (4.13 Mb, GRCh37 coordinates, 1-based), cytogenetic band 14q32.31-32.33.
Identifiers: ClinVar variation 815679 (VCV000815679.3).